The following is an entry in ClinVar:

NM_032608.7(MYO18B):c.4018A>T (p.Ile1340Phe)

Gene: MYO18B (myosin XVIIIB; plus strand). Cytogenetic location: 22q12.1.
Variant type: single nucleotide variant.
Coding change: c.4018A>T on transcript NM_032608.7 (MANE Select); coding-DNA position 4018, A replaced by T.
Protein change: p.Ile1340Phe; replaces isoleucine 1340 with phenylalanine.
Molecular consequence: missense variant.
Genome position (GRCh38, 1-based): chr22:25,874,352, A>T. VCF-style: chr22-25874352-A-T. GRCh37 (hg19) VCF-style: chr22-26270319-A-T.
Other names: c.4021A>T, p.Ile1341Phe (NM_001318245.2); short protein forms I1340F, I1341F.
Identifiers: ClinVar variation 2134753 (VCV002134753.4), dbSNP rs765591664, ClinGen allele CA411006746.

ClinVar aggregate classification (germline): Uncertain significance (1 of 4 stars; one submission).

Submission:

Labcorp Genetics (formerly Invitae), Labcorp
Classification: Uncertain significance. Last evaluated: 2022-05-06. Review status: criteria provided, single submitter. Criteria: Invitae Variant Classification Sherloc (09022015). Collection method: clinical testing. Allele origin: germline.
Comment: This variant is not present in population databases (gnomAD no frequency). This sequence change replaces isoleucine, which is neutral and non-polar, with phenylalanine, which is neutral and non-polar, at codon 1340 of the MYO18B protein (p.Ile1340Phe). This variant has not been reported in the literature in individuals affected with MYO18B-related conditions. In summary, the available evidence is currently insufficient to determine the role of this variant in disease. Therefore, it has been classified as a Variant of Uncertain Significance. Algorithms developed to predict the effect of missense changes on protein structure and function output the following: SIFT: "Not Available"; PolyPhen-2: "Benign"; Align-GVGD: "Not Available". The phenylalanine amino acid residue is found in multiple mammalian species, which suggests that this missense change does not adversely affect protein function.